The following is an entry in ClinVar:

NM_152564.5(VPS13B):c.7624GTG[1] (p.Val2543del)

Gene: VPS13B (vacuolar protein sorting 13 homolog B; plus strand). Cytogenetic location: 8q22.2.
Variant type: Microsatellite.
Coding change: c.7624GTG[1] on transcript NM_152564.5 (MANE Select); one copy of the 3-base unit GTG starting at c.7624; the reference has two copies in a row; one copy, 3 bases deleted.
Protein change: p.Val2543del; deletes valine 2543.
Molecular consequence: inframe deletion.
Genome position (GRCh38, 1-based): chr8:99,778,879-99,778,881, GTG deleted; deleting any 3 consecutive bases within chr8:99,778,876-99,778,881 gives the same sequence; the position shown is the placement nearest the transcript's 3' end. VCF-style (leftmost placement, unchanged base first): chr8-99778875-TGTG-T. GRCh37 (hg19) VCF-style: chr8-100791103-TGTG-T.
Other names: c.7699GTG[1], p.Val2568del (NM_017890.5); short protein forms V2543del, V2568del.
Identifiers: ClinVar variation 1052873 (VCV001052873.2), dbSNP rs1811870870, ClinGen allele CA1117113928.

ClinVar aggregate classification (germline): Uncertain significance (1 of 4 stars; one submission).

Conditions:
Cohen syndrome (COH1). Also called: PEPPER SYNDROME; Cutis verticis gyrata, retinitis pigmentosa, and sensorineural deafness. Identifiers: Orphanet 193, MedGen C0265223, MONDO:0008999, OMIM 216550.

Submission:

Labcorp Genetics (formerly Invitae), Labcorp
Classification: Uncertain significance for Cohen syndrome. Last evaluated: 2021-08-31. Review status: criteria provided, single submitter. Criteria: Invitae Variant Classification Sherloc (09022015). Collection method: clinical testing. Allele origin: germline.
Comment: This variant, c.7702_7704del, results in the deletion of 1 amino acid(s) of the VPS13B protein (p.Val2568del), but otherwise preserves the integrity of the reading frame. This variant is not present in population databases (ExAC no frequency). This variant has been observed in individual(s) with Cohen syndrome (Invitae). In at least one individual the data is consistent with the variant being in trans (on the opposite chromosome) from a pathogenic variant. Experimental studies and prediction algorithms are not available or were not evaluated, and the functional significance of this variant is currently unknown. In summary, the available evidence is currently insufficient to determine the role of this variant in disease. Therefore, it has been classified as a Variant of Uncertain Significance.